The following is an entry in ClinVar:

ClinVar aggregate classification (germline): Uncertain significance (1 of 4 stars; one submission).

Submission:

Labcorp Genetics (formerly Invitae), Labcorp
Classification: Uncertain significance. Last evaluated: 2021-06-05. Review status: criteria provided, single submitter. Criteria: Invitae Variant Classification Sherloc (09022015). Collection method: clinical testing. Allele origin: germline.
Comment: This sequence change replaces isoleucine with leucine at codon 106 of the POLE protein (p.Ile106Leu). The isoleucine residue is moderately conserved and there is a small physicochemical difference between isoleucine and leucine. This variant is not present in population databases (ExAC no frequency). This variant has not been reported in the literature in individuals with POLE-related conditions. Algorithms developed to predict the effect of missense changes on protein structure and function are either unavailable or do not agree on the potential impact of this missense change (SIFT: "Deleterious"; PolyPhen-2: "Benign"; Align-GVGD: "Class C0"). In summary, the available evidence is currently insufficient to determine the role of this variant in disease. Therefore, it has been classified as a Variant of Uncertain Significance.

NM_006231.4(POLE):c.316A>C (p.Ile106Leu)

Gene: POLE (DNA polymerase epsilon, catalytic subunit; minus strand). Cytogenetic location: 12q24.33.
Variant type: single nucleotide variant.
Coding change: c.316A>C on transcript NM_006231.4 (MANE Select); coding-DNA position 316, A replaced by C.
Protein change: p.Ile106Leu; replaces isoleucine 106 with leucine.
Molecular consequence: missense variant.
Genome position (GRCh38, 1-based): chr12:132,680,192, T>G on the plus strand (A>C on the coding strand, the complement: POLE is on the minus strand). VCF-style: chr12-132680192-T-G. GRCh37 (hg19) VCF-style: chr12-133256778-T-G.
Other names: short protein forms I106L.
Identifiers: ClinVar variation 1515232 (VCV001515232.8), dbSNP rs777108003, ClinGen allele CA387368647.